The following is an entry in ClinVar:

ClinVar aggregate classification (germline): Uncertain significance (1 of 4 stars; one submission).

Conditions:
Primary ciliary dyskinesia. Also called: Ciliary dyskinesia. Identifiers: Orphanet 244, MedGen C0008780, MONDO:0016575, HP:0012265.

Submission:

Department of Human Genetics, Hannover Medical School
Classification: Uncertain significance for Primary Ciliary Dyskinesia. Last evaluated: 2026-04-01. Review status: criteria provided, single submitter. Criteria: ACMG Guidelines, 2015. Collection method: research. Allele origin: germline. Affected: no.
Comment: Classification performed by HerediClassify using the following criteria:['PM2_supporting: Variant occures does not occur as homozygous in gnomAD.', 'PVS1_splicing_strong: Transcript ENST00000449337 does not undergo NMD and reading frame is not preserved. Protein length change of 0.8931623931623932 observed.']

NM_134261.3(RORA):c.197-60534_197-60532del

Genes: RORA-AS1 (RORA antisense RNA 1; plus strand), RORA (RAR related orphan receptor A; minus strand), LOC130057201 (ATAC-STARR-seq lymphoblastoid silent region 6499; plus strand). Cytogenetic location: 15q22.2.
Variant type: Deletion.
Coding change: c.197-60534_197-60532del on transcript NM_134261.3 (MANE Select); 60534 bases into the intron before coding-DNA position 197 through 60532 bases into the intron before coding-DNA position 197, 3 bases deleted (TGA; older notation c.197-60534_197-60532delTGA).
Molecular consequence: intron variant. On other transcripts: splice donor variant (1).
Genome position (GRCh38, 1-based): chr15:60,592,383-60,592,385, TCA deleted on the plus strand (TGA on the coding strand, the reverse complement: RORA is on the minus strand). VCF-style (leftmost placement, unchanged base first): chr15-60592382-CTCA-C. GRCh37 (hg19) VCF-style: chr15-60884581-CTCA-C.
Other names: c.138-34079_138-34077del (NM_134260.3); c.271+22509_271+22511del (NM_002943.4); c.31+2_31+4del (NM_134262.3).
Identifiers: ClinVar variation 4880085 (VCV004880085.1).